The following is an entry in ClinVar:

ClinVar aggregate classification (germline): Likely benign. Review status: criteria provided, multiple submitters, no conflicts (2 of 4 stars). 3 submissions from 3 submitters: Likely benign (3). Last evaluated 2025-09-25.

Conditions:
Developmental and epileptic encephalopathy, 30 (DEE30). Also called: Epileptic encephalopathy, early infantile, 30. Identifiers: MedGen C4225360, MONDO:0014595, OMIM 616341.

Allele frequency attached by ClinVar (database versions not stated): gnomAD exomes 0.00008; gnomAD 0.00010; ExAC 0.00011; ESP Exome Variant Server 0.00015.

Submissions (3):

Labcorp Genetics (formerly Invitae), Labcorp
Classification: Likely benign for Developmental and epileptic encephalopathy, 30. Last evaluated: 2025-09-25. Review status: criteria provided, single submitter. Criteria: Invitae Variant Classification Sherloc (09022015). Collection method: clinical testing. Allele origin: germline.

Blueprint Genetics
Classification: Likely benign. Last evaluated: 2024-11-22. Review status: criteria provided, single submitter. Criteria: ACMG Guidelines, 2015. Collection method: clinical testing. Allele origin: germline.

CeGaT Center for Human Genetics Tuebingen
Classification: Likely benign. Last evaluated: 2023-08-01. Review status: criteria provided, single submitter. Criteria: CeGaT Center For Human Genetics Tuebingen Variant Classification Criteria Version 2. Collection method: clinical testing. Allele origin: germline. Affected: yes. Observed: 2 variant alleles.
Comment: SIK1: BP4, BP7

NM_173354.5(SIK1):c.1623C>T (p.Pro541=)

Gene: SIK1 (salt inducible kinase 1; minus strand). Cytogenetic location: 21q22.3.
Variant type: single nucleotide variant.
Coding change: c.1623C>T on transcript NM_173354.5 (MANE Select); coding-DNA position 1623, C replaced by T.
Protein change: p.Pro541=; no amino-acid change (proline 541 retained).
Molecular consequence: synonymous variant.
Genome position (GRCh38, 1-based): chr21:43,418,381, G>A on the plus strand (C>T on the coding strand, the complement: SIK1 is on the minus strand). VCF-style: chr21-43418381-G-A. GRCh37 (hg19) VCF-style: chr21-44838261-G-A.
Identifiers: ClinVar variation 711628 (VCV000711628.36), dbSNP rs377361018, ClinGen allele CA321325394.